The following is an entry in ClinVar:

ClinVar aggregate classification (germline): Benign (0 of 4 stars; one submission).

Conditions:
PVR-related disorder. Also called: PVR-related condition.

Allele frequency attached by ClinVar (database versions not stated): ESP Exome Variant Server 0.05313; gnomAD 0.05840; TOPMed 0.05888; gnomAD exomes 0.05902; ExAC 0.08996; 1000 Genomes Project 30x 0.09760; 1000 Genomes Project 0.10224.
gnomAD v4.1: 95,187 of 1,613,098 alleles (5.9%); highest among the groups gnomAD compares: South Asian, 16%; 4,055 homozygotes.

Submission:

PreventionGenetics, part of Exact Sciences
Classification: Benign for PVR-related condition. Last evaluated: 2019-08-01. Review status: no assertion criteria provided. Collection method: clinical testing. Allele origin: germline.
Comment: This variant is classified as benign based on ACMG/AMP sequence variant interpretation guidelines (Richards et al. 2015 PMID: 25741868, with internal and published modifications).

NM_006505.5(PVR):c.199G>A (p.Ala67Thr)

Gene: PVR (PVR cell adhesion molecule; plus strand). Cytogenetic location: 19q13.31.
Variant type: single nucleotide variant.
Coding change: c.199G>A on transcript NM_006505.5 (MANE Select); coding-DNA position 199, G replaced by A.
Protein change: p.Ala67Thr; replaces alanine 67 with threonine.
Molecular consequence: missense variant.
Genome position (GRCh38, 1-based): chr19:44,647,342, G>A. VCF-style: chr19-44647342-G-A. GRCh37 (hg19) VCF-style: chr19-45150614-G-A.
Other names: c.199G>A, p.Ala67Thr (NM_001135768.3, NM_001135769.3, NM_001135770.4); short protein forms A67T.
Identifiers: ClinVar variation 3056684 (VCV003056684.2), dbSNP rs1058402, ClinGen allele CA9502179.
Genomic context (GRCh38, chr19:44,647,342, plus strand): 5'-CTGCCCTGCTACCTACAGGTGCCCAACATGGAGGTGACGCATGTGTCACAGCTGACTTGG[G>A]CGCGGCATGGTGAATCTGGCAGCATGGCCGTCTTCCACCAAACGCAGGGCCCCAGCTATT-3'
Protein context (NP_006496.4, residues 57-77): EVTHVSQLTW[Ala67Thr]RHGESGSMAV